The following is an entry in ClinVar:

NM_000532.5(PCCB):c.1280T>G (p.Val427Gly)

Gene: PCCB (propionyl-CoA carboxylase subunit beta; plus strand). Cytogenetic location: 3q22.3.
Variant type: single nucleotide variant.
Coding change: c.1280T>G on transcript NM_000532.5 (MANE Select); coding-DNA position 1280, T replaced by G.
Protein change: p.Val427Gly; replaces valine 427 with glycine.
Molecular consequence: missense variant.
Genome position (GRCh38, 1-based): chr3:136,327,236, T>G. VCF-style: chr3-136327236-T-G. GRCh37 (hg19) VCF-style: chr3-136046078-T-G.
Other names: c.1340T>G, p.Val447Gly (NM_001178014.2); short protein forms V427G, V447G.
Identifiers: ClinVar variation 1704100 (VCV001704100.2), dbSNP rs2529972372, ClinGen allele CA354649217.

ClinVar aggregate classification (germline): Uncertain significance (1 of 4 stars; one submission).

Submission:

GeneDx
Classification: Uncertain significance. Last evaluated: 2022-03-01. Review status: criteria provided, single submitter. Criteria: GeneDx Variant Classification Process June 2021. Collection method: clinical testing. Allele origin: germline. Affected: yes.
Comment: Not observed at significant frequency in large population cohorts (gnomAD); In silico analysis supports that this missense variant has a deleterious effect on protein structure/function; Has not been previously published as pathogenic or benign to our knowledge